The following is an entry in ClinVar:

NM_001035.3(RYR2):c.10125A>G (p.Arg3375=)

Gene: RYR2 (ryanodine receptor 2; plus strand). Cytogenetic location: 1q43.
Variant type: single nucleotide variant.
Coding change: c.10125A>G on transcript NM_001035.3 (MANE Select); coding-DNA position 10125, A replaced by G.
Protein change: p.Arg3375=; no amino-acid change (arginine 3375 retained).
Molecular consequence: synonymous variant.
Genome position (GRCh38, 1-based): chr1:237,709,081, A>G. VCF-style: chr1-237709081-A-G. GRCh37 (hg19) VCF-style: chr1-237872381-A-G.
Other names: c.10125A>G, p.Arg3375= (LRG_402t1).
Identifiers: ClinVar variation 235051 (VCV000235051.21), dbSNP rs764396074, ClinGen allele CA084147.

ClinVar aggregate classification (germline): Conflicting classifications of pathogenicity. Review status: criteria provided, conflicting classifications (1 of 4 stars). 6 submissions from 6 submitters: Uncertain significance (3); Likely benign (3). Last evaluated 2026-07-27.

Conditions:
Catecholaminergic polymorphic ventricular tachycardia (CVPT). Also called: Catecholamine-induced polymorphic ventricular tachycardia. Identifiers: Orphanet 3286, MedGen C5574922, MONDO:0017990.
Cardiovascular phenotype. Identifiers: MedGen CN230736.
Cardiomyopathy (CMYO). Also called: Cardiomyopathies. Identifiers: Orphanet 167848, MedGen C0878544, MONDO:0004994, HP:0001638. Inheritance: Various modes of inheritance.
Catecholaminergic polymorphic ventricular tachycardia 1. Also called: VENTRICULAR TACHYCARDIA, CATECHOLAMINERGIC POLYMORPHIC, 1, WITH OR WITHOUT ATRIAL DYSFUNCTION AND/OR DILATED CARDIOMYOPATHY; RYR2-Related Catecholaminergic Polymorphic Ventricular Tachycardia; VENTRICULAR TACHYCARDIA, STRESS-INDUCED POLYMORPHIC 1. Identifiers: Orphanet 3286, MedGen C1631597, MONDO:0011484, OMIM 604772.

Allele frequency attached by ClinVar (database versions not stated): gnomAD exomes 0.00001 and 0.00003; TOPMed below 0.00001; ExAC 0.00001.
gnomAD v4.1: 40 of 1,585,490 alleles (0.0025%); highest among the groups gnomAD compares: Non-Finnish European, 0.0033%; no homozygotes.

Submissions (6):

GeneDx
Classification: Uncertain significance. Last evaluated: 2026-07-27. Review status: criteria provided, single submitter. Criteria: GeneDx Variant Classification Process June 2021. Collection method: clinical testing. Allele origin: germline.
Comment: Not observed at significant frequency in large population cohorts (gnomAD); Has not been previously published as pathogenic or benign to our knowledge; In silico analysis suggests this variant may impact gene splicing. In the absence of RNA/functional studies, the actual effect of this sequence change is unknown.

Labcorp Genetics (formerly Invitae), Labcorp
Classification: Likely benign for Catecholaminergic polymorphic ventricular tachycardia 1. Last evaluated: 2025-01-29. Review status: criteria provided, single submitter. Criteria: Invitae Variant Classification Sherloc (09022015). Collection method: clinical testing. Allele origin: germline.

All of Us Research Program, National Institutes of Health
Classification: Uncertain significance for Catecholaminergic polymorphic ventricular tachycardia. Last evaluated: 2024-01-11. Review status: criteria provided, single submitter. Criteria: ACMG Guidelines, 2015. Collection method: clinical testing. Allele origin: germline. Inheritance: Autosomal dominant inheritance. Observed: 4 variant alleles, 4 heterozygotes.
Comment: This synonymous variant causes a nucleotide substitution but does not change the encoded amino acid at codon 3375 of the RYR2 protein. Splice prediction tools are inconclusive regarding the impact of this variant on RNA splicing. To our knowledge, functional studies have not been reported for this variant. This variant has not been reported in individuals affected with cardiovascular disorders in the literature. This variant has been identified in 2/228944 chromosomes in the general population by the Genome Aggregation Database (gnomAD). The available evidence is insufficient to determine the role of this variant in disease conclusively. Therefore, this variant is classified as a Variant of Uncertain Significance.

This study involves interpretation of variants in research participants for the purpose of population health screening. Participant phenotype was not available at the time of variant classification. Additional details can be found in publication PMID: 35346344, PMCID: PMC8962531

Color Diagnostics, LLC DBA Color Health
Classification: Likely benign for Cardiomyopathy. Last evaluated: 2023-12-04. Review status: criteria provided, single submitter. Criteria: ACMG Guidelines, 2015. Collection method: clinical testing. Allele origin: germline.

Ambry Genetics
Classification: Likely benign for Cardiovascular phenotype. Last evaluated: 2019-12-11. Review status: criteria provided, single submitter. Criteria: Ambry Variant Classification Scheme 2023. Collection method: clinical testing. Allele origin: germline.

Stanford Center for Inherited Cardiovascular Disease, Stanford University
Classification: Uncertain significance. Last evaluated: 2014-01-21. Review status: criteria provided, single submitter. Criteria: ACMG Guidelines, 2015. Collection method: provider interpretation. Allele origin: germline.